The following is an entry in ClinVar:

ClinVar aggregate classification (germline): Uncertain significance (1 of 4 stars; one submission).

Conditions:
Familial intrahepatic cholestasis. Identifiers: Orphanet 284385, MedGen CN296401, MONDO:0017290.

Submission:

Genomenon, Inc
Classification: Uncertain significance for Familial intrahepatic cholestasis. Last evaluated: 2026-04-14. Review status: criteria provided, single submitter. Criteria: Genomenon Sequence Variant Interpretation Standards - Updated. Collection method: curation. Allele origin: germline. Affected: yes.
Comment: ABCB11 p.Asp404Gly (c.1211A>G) is a missense variant that changes the amino acid at residue 404 from Aspartic acid to Glycine. This variant has been observed in at least one proband with an ABCB11-related disorder (PMID:26223708). Functional studies have been reported (PMID:26223708). It is absent or not present at a significant frequency in gnomAD. In silico models predict that this variant is possibly or probably damaging. In conclusion, we classify ABCB11 p.Asp404Gly (c.1211A>G) as a variant of uncertain significance.

Literature cited by the submitters: PubMed 26223708.

NM_003742.4(ABCB11):c.1211A>G (p.Asp404Gly)

Gene: ABCB11 (ATP binding cassette subfamily B member 11; minus strand). Cytogenetic location: 2q31.1.
Variant type: single nucleotide variant.
Coding change: c.1211A>G on transcript NM_003742.4 (MANE Select); coding-DNA position 1211, A replaced by G.
Protein change: p.Asp404Gly; replaces aspartic acid 404 with glycine.
Molecular consequence: missense variant.
Genome position (GRCh38, 1-based): chr2:168,976,674, T>C on the plus strand (A>G on the coding strand, the complement: ABCB11 is on the minus strand). VCF-style: chr2-168976674-T-C. GRCh37 (hg19) VCF-style: chr2-169833184-T-C.
Other names: short protein forms D404G.
Identifiers: ClinVar variation 4845968 (VCV004845968.1).